The following is an entry in ClinVar:

NM_001042424.3(NSD2):c.1401C>T (p.His467=)

Gene: NSD2 (nuclear receptor binding SET domain protein 2; plus strand). Cytogenetic location: 4p16.3.
Variant type: single nucleotide variant.
Coding change: c.1401C>T on transcript NM_001042424.3 (MANE Select); coding-DNA position 1401, C replaced by T.
Protein change: p.His467=; no amino-acid change (histidine 467 retained).
Molecular consequence: synonymous variant.
Genome position (GRCh38, 1-based): chr4:1,918,614, C>T. VCF-style: chr4-1918614-C-T. GRCh37 (hg19) VCF-style: chr4-1920341-C-T.
Other names: c.1401C>T, p.His467= (NM_007331.2, NM_133330.3, NM_133331.3 and 2 more transcripts).
Identifiers: ClinVar variation 736011 (VCV000736011.12), dbSNP rs761656656, ClinGen allele CA2812069.

ClinVar aggregate classification (germline): Likely benign. Review status: criteria provided, multiple submitters, no conflicts (2 of 4 stars). 2 submissions from 2 submitters: Likely benign (2). Last evaluated 2026-09-01.

Allele frequency attached by ClinVar (database versions not stated): gnomAD 0.00002 and 0.00003; gnomAD exomes 0.00002 and 0.00010; ExAC 0.00008; TOPMed 0.00008.
gnomAD v4.1: 35 of 1,613,578 alleles (0.0022%); highest among the groups gnomAD compares: Admixed American, 0.042%; no homozygotes.

Submissions (2):

CeGaT Center for Human Genetics Tuebingen
Classification: Likely benign. Last evaluated: 2026-09-01. Review status: criteria provided, single submitter. Criteria: CeGaT Center For Human Genetics Tuebingen Variant Classification Criteria Version 2. Collection method: clinical testing. Allele origin: germline. Affected: yes. Observed: 2 variant alleles.
Comment: NSD2: BP4, BP7

Labcorp Genetics (formerly Invitae), Labcorp
Classification: Likely benign. Last evaluated: 2025-11-26. Review status: criteria provided, single submitter. Criteria: Invitae Variant Classification Sherloc (09022015). Collection method: clinical testing. Allele origin: germline.